The following is an entry in ClinVar:

ClinVar aggregate classification (germline): Uncertain significance (1 of 4 stars; one submission).

Conditions:
Early-infantile DEE. Also called: Ohtahara syndrome; Early infantile epileptic encephalopathy; Early infantile epileptic encephalopathy with suppression bursts. Identifiers: Orphanet 1934, MedGen C0393706, MONDO:0800491.

Submission:

Labcorp Genetics (formerly Invitae), Labcorp
Classification: Uncertain significance for Early-infantile DEE. Last evaluated: 2020-07-12. Review status: criteria provided, single submitter. Criteria: Invitae Variant Classification Sherloc (09022015). Collection method: clinical testing. Allele origin: germline.
Comment: This sequence change replaces glutamic acid with aspartic acid at codon 468 of the SCN1A protein (p.Glu468Asp). The glutamic acid residue is highly conserved and there is a small physicochemical difference between glutamic acid and aspartic acid. This variant is not present in population databases (ExAC no frequency). This variant has not been reported in the literature in individuals with SCN1A-related conditions. Algorithms developed to predict the effect of missense changes on protein structure and function are either unavailable or do not agree on the potential impact of this missense change (SIFT: "Deleterious"; PolyPhen-2: "Benign"; Align-GVGD: "Class C35"). In summary, the available evidence is currently insufficient to determine the role of this variant in disease. Therefore, it has been classified as a Variant of Uncertain Significance.

NM_001165963.4(SCN1A):c.1404A>C (p.Glu468Asp)

Gene: SCN1A (sodium voltage-gated channel alpha subunit 1; minus strand). Cytogenetic location: 2q24.3.
Variant type: single nucleotide variant.
Coding change: c.1404A>C on transcript NM_001165963.4 (MANE Select); coding-DNA position 1404, A replaced by C.
Protein change: p.Glu468Asp; replaces glutamic acid 468 with aspartic acid.
Molecular consequence: missense variant. On other transcripts: 5 prime UTR variant (1), non-coding transcript variant (1).
Genome position (GRCh38, 1-based): chr2:166,045,301, T>G on the plus strand (A>C on the coding strand, the complement: SCN1A is on the minus strand). VCF-style: chr2-166045301-T-G. GRCh37 (hg19) VCF-style: chr2-166901811-T-G.
Other names: c.1404A>C, p.Glu468Asp (NM_001165964.3, NM_001202435.3, NM_001353948.2 and 7 more transcripts); c.1401A>C, p.Glu467Asp (NM_001353954.2, NM_001353955.2, NM_001353960.2); c.-1022A>C (NM_001353961.2); short protein forms E467D, E468D.
Identifiers: ClinVar variation 1023021 (VCV001023021.9), dbSNP rs747528512, ClinGen allele CA349069916.